The following is an entry in ClinVar:

ClinVar aggregate classification (germline): Conflicting classifications of pathogenicity. Review status: criteria provided, conflicting classifications (1 of 4 stars). 4 submissions from 4 submitters: Uncertain significance (2); Likely benign (1). 1 of the submissions does not count toward it. Last evaluated 2025-12-02.

Conditions:
CREBBP-related disorder. Also called: CREBBP-related condition; CREBBP-related disorders.
Menke-Hennekam syndrome 1 (MKHK1). Identifiers: MedGen C5193034, MONDO:0020763, OMIM 618332.
Rubinstein-Taybi syndrome due to CREBBP mutations (RSTS1). Also called: RUBINSTEIN SYNDROME; RUBINSTEIN-TAYBI SYNDROME 1, INCOMPLETE; CREBBP-Related Rubinstein-Taybi Syndrome; BROAD THUMBS AND GREAT TOES, CHARACTERISTIC FACIES, AND IMPAIRED INTELLECTUAL DEVELOPMENT; BROAD THUMB-HALLUX SYNDROME; Rubinstein-Taybi syndrome 1. Identifiers: Orphanet 353277, Orphanet 783, MedGen C4551859, MONDO:0008393, OMIM 180849.
Rubinstein-Taybi syndrome (RSTS). Identifiers: Orphanet 783, MedGen C0035934, MONDO:0019188.

Allele frequency attached by ClinVar (database versions not stated): ExAC 0.00002; gnomAD exomes 0.00003 and 0.00012; gnomAD 0.00005; TOPMed 0.00005; ESP Exome Variant Server 0.00008.
gnomAD v4.1: 186 of 1,614,078 alleles (0.012%); highest among the groups gnomAD compares: Non-Finnish European, 0.014%; no homozygotes.

Submissions (4):

PreventionGenetics, part of Exact Sciences
Classification: Uncertain significance for CREBBP-related condition. Last evaluated: 2025-12-02. Review status: criteria provided, single submitter. Criteria: ACMG Guidelines, 2015. Collection method: clinical testing. Allele origin: germline.
Comment: The CREBBP c.1514C>T variant is predicted to result in the amino acid substitution p.Pro505Leu. To our knowledge, this variant has not been reported in the literature. This variant is reported in 0.0070% of alleles in individuals of European (Non-Finnish) descent in gnomAD v2. However, in gnomAD v4 (available only on GRCh38), this variant is reported in 0.014% of alleles in individuals of European (Non-Finnish) descent. Although we suspect that this variant may be benign, at this time, the clinical significance of this variant is uncertain due to the absence of conclusive functional and genetic evidence.

Labcorp Genetics (formerly Invitae), Labcorp
Classification: Likely benign for Rubinstein-Taybi syndrome. Last evaluated: 2024-10-16. Review status: criteria provided, single submitter. Criteria: Invitae Variant Classification Sherloc (09022015). Collection method: clinical testing. Allele origin: germline.

Fulgent Genetics
Classification: Uncertain significance for Rubinstein-Taybi syndrome due to CREBBP mutations; Menke-Hennekam syndrome 1. Last evaluated: 2024-01-29. Review status: criteria provided, single submitter. Criteria: ACMG Guidelines, 2015. Collection method: clinical testing. Allele origin: germline.

ITMI
No classification provided. Condition: AllHighlyPenetrant. Last evaluated: 2013-09-19. Review status: no classification provided. Collection method: reference population. Allele origin: germline. Not counted in ClinVar's aggregate classification.
Comment: Please see associated publication for description of ethnicities

Literature cited by the submitters: PubMed 24728327 (cited by ITMI).

NM_004380.3(CREBBP):c.1514C>T (p.Pro505Leu)

Gene: CREBBP (CREB binding lysine acetyltransferase; minus strand). Cytogenetic location: 16p13.3.
Variant type: single nucleotide variant.
Coding change: c.1514C>T on transcript NM_004380.3 (MANE Select); coding-DNA position 1514, C replaced by T.
Protein change: p.Pro505Leu; replaces proline 505 with leucine.
Molecular consequence: missense variant.
Genome position (GRCh38, 1-based): chr16:3,782,743, G>A on the plus strand (C>T on the coding strand, the complement: CREBBP is on the minus strand). VCF-style: chr16-3782743-G-A. GRCh37 (hg19) VCF-style: chr16-3832744-G-A.
Other names: c.1400C>T, p.Pro467Leu (NM_001079846.1); c.1514C>T (NM_004380.2); short protein forms P505L, P467L.
Identifiers: ClinVar variation 133941 (VCV000133941.9), dbSNP rs369550568, ClinGen allele CA158201.